The following is an entry in ClinVar:

NM_000038.6(APC):c.7973G>C (p.Trp2658Ser)

Gene: APC (APC regulator of Wnt signaling pathway; plus strand). Cytogenetic location: 5q22.2.
Variant type: single nucleotide variant.
Coding change: c.7973G>C on transcript NM_000038.6 (MANE Select); coding-DNA position 7973, G replaced by C.
Protein change: p.Trp2658Ser; replaces tryptophan 2658 with serine.
Molecular consequence: missense variant. On other transcripts: non-coding transcript variant (2).
Genome position (GRCh38, 1-based): chr5:112,843,567, G>C. VCF-style: chr5-112843567-G-C. GRCh37 (hg19) VCF-style: chr5-112179264-G-C.
Other names: c.7973G>C, p.Trp2658Ser (NM_001127510.3, NM_001354895.2, NM_001407450.1); c.7919G>C, p.Trp2640Ser (NM_001127511.3); c.8027G>C, p.Trp2676Ser (NM_001354896.2, NM_001407447.1, NM_001407448.1 and 1 more transcripts); c.8003G>C, p.Trp2668Ser (NM_001354897.2); c.7898G>C, p.Trp2633Ser (NM_001354898.2); c.7889G>C, p.Trp2630Ser (NM_001354899.2); c.7850G>C, p.Trp2617Ser (NM_001354900.2); c.7796G>C, p.Trp2599Ser (NM_001354901.2, NM_001407453.1); and 12 more; short protein forms W2274S, W2375S, W2498S, W2529S, W2532S, W2557S, W2567S, W2575S.
Identifiers: ClinVar variation 4758279 (VCV004758279.2).

ClinVar aggregate classification (germline): Uncertain significance. Review status: criteria provided, multiple submitters, no conflicts (2 of 4 stars). 2 submissions from 2 submitters: Uncertain significance (2). Last evaluated 2025-12-26.

Conditions:
Hereditary cancer-predisposing syndrome. Also called: Neoplastic Syndromes, Hereditary; Hereditary neoplastic syndrome; Tumor predisposition; Hereditary Cancer Syndrome. Identifiers: Orphanet 140162, MedGen C0027672, MeSH D009386, MONDO:0015356.

gnomAD v4.1: 1 of 1,613,926 alleles (0.000062%); highest among the groups gnomAD compares: South Asian, 0.0011%; no homozygotes.

Submissions (2):

Ambry Genetics
Classification: Uncertain significance for Hereditary cancer-predisposing syndrome. Last evaluated: 2025-12-26. Review status: criteria provided, single submitter. Criteria: Ambry Variant Classification Scheme 2023. Collection method: clinical testing. Allele origin: germline.
Comment: The p.W2658S variant (also known as c.7973G>C), located in coding exon 15 of the APC gene, results from a G to C substitution at nucleotide position 7973. The tryptophan at codon 2658 is replaced by serine, an amino acid with highly dissimilar properties. This amino acid position is conserved. In addition, in silico predictors for this gene do not accurately predict pathogenicity. Based on the available evidence, the clinical significance of this variant remains unclear.

Color Diagnostics, LLC DBA Color Health
Classification: Uncertain significance for Hereditary cancer-predisposing syndrome. Last evaluated: 2025-11-10. Review status: criteria provided, single submitter. Criteria: ACMG Guidelines, 2015. Collection method: clinical testing. Allele origin: germline.
Comment: This missense variant replaces tryptophan with serine at codon 2658 of the APC protein. Computational prediction is inconclusive regarding the impact of this variant on protein structure and function. To our knowledge, functional studies have not been reported for this variant. This variant has not been reported in individuals affected with APC-related disorders in the literature. This variant has been identified in 1/1613926 chromosomes in the general population by the Genome Aggregation Database (gnomAD). The available evidence is insufficient to determine the role of this variant in disease conclusively. Therefore, this variant is classified as a Variant of Uncertain Significance.